The following is an entry in ClinVar:

ClinVar aggregate classification (germline): Uncertain significance (1 of 4 stars; one submission).

Conditions:
Welander distal myopathy (WDM). Also called: MUSCULAR DYSTROPHY, DISTAL, LATE-ONSET, AUTOSOMAL DOMINANT; Welander distal myopathy, Swedish type; Distal myopathy, Swedish type; Gower's muscular dystrophy. Identifiers: Orphanet 603, MedGen C0221054, MONDO:0011466, OMIM 604454.

Submission:

Labcorp Genetics (formerly Invitae), Labcorp
Classification: Uncertain significance for Welander distal myopathy. Last evaluated: 2022-06-23. Review status: criteria provided, single submitter. Criteria: Invitae Variant Classification Sherloc (09022015). Collection method: clinical testing. Allele origin: germline.
Comment: This variant has not been reported in the literature in individuals affected with TIA1-related conditions. In summary, the available evidence is currently insufficient to determine the role of this variant in disease. Therefore, it has been classified as a Variant of Uncertain Significance. Algorithms developed to predict the effect of missense changes on protein structure and function (SIFT, PolyPhen-2, Align-GVGD) all suggest that this variant is likely to be tolerated. This variant is not present in population databases (gnomAD no frequency). This sequence change replaces proline, which is neutral and non-polar, with arginine, which is basic and polar, at codon 305 of the TIA1 protein (p.Pro305Arg).

NM_022173.4(TIA1):c.914C>G (p.Pro305Arg)

Gene: TIA1 (TIA1 cytotoxic granule associated RNA binding protein; minus strand). Cytogenetic location: 2p13.3.
Variant type: single nucleotide variant.
Coding change: c.914C>G on transcript NM_022173.4 (MANE Select); coding-DNA position 914, C replaced by G.
Protein change: p.Pro305Arg; replaces proline 305 with arginine.
Molecular consequence: missense variant. On other transcripts: non-coding transcript variant (17).
Genome position (GRCh38, 1-based): chr2:70,214,469, G>C on the plus strand (C>G on the coding strand, the complement: TIA1 is on the minus strand). VCF-style: chr2-70214469-G-C. GRCh37 (hg19) VCF-style: chr2-70441601-G-C.
Other names: c.911C>G, p.Pro304Arg (NM_001351508.2); c.887C>G, p.Pro296Arg (NM_001351509.2); c.878C>G, p.Pro293Arg (NM_001351510.2); c.803C>G, p.Pro268Arg (NM_001351511.1); c.776C>G, p.Pro259Arg (NM_001351512.1); c.770C>G, p.Pro257Arg (NM_001351513.1); c.686C>G, p.Pro229Arg (NM_001351514.2); c.611C>G, p.Pro204Arg (NM_001351515.2); and 3 more; short protein forms P164R, P165R, P204R, P268R, P293R, P296R, P257R, P305R.
Identifiers: ClinVar variation 2009675 (VCV002009675.4), dbSNP rs2466464929, ClinGen allele CA347150317.